The following is an entry in ClinVar:

ClinVar aggregate classification (germline): Uncertain significance. Review status: criteria provided, multiple submitters, no conflicts (2 of 4 stars). 4 submissions from 4 submitters: Uncertain significance (4). Last evaluated 2024-09-12.

Conditions:
Hereditary breast ovarian cancer syndrome. Also called: Breast and ovarian cancer; Hereditary breast and ovarian cancer syndrome (HBOC); Hereditary breast and/or ovarian cancer syndrome; BRCA1- and BRCA2-Associated Hereditary Breast and Ovarian Cancer; Hereditary breast and ovarian cancer; Hereditary breast and ovarian cancer syndrome. Identifiers: Orphanet 145, MedGen C0677776, MeSH D061325, MONDO:0003582. Disease mechanism: loss of function.
Hereditary cancer-predisposing syndrome. Also called: Hereditary Cancer Syndrome; Neoplastic Syndromes, Hereditary; Hereditary neoplastic syndrome; Tumor predisposition. Identifiers: Orphanet 140162, MedGen C0027672, MeSH D009386, MONDO:0015356.
Breast-ovarian cancer, familial, susceptibility to, 2 (BROVCA2). Also called: BRCA2 Hereditary Breast and Ovarian Cancer. Identifiers: Orphanet 145, MedGen C2675520, MONDO:0012933, OMIM 612555. Disease mechanism: loss of function.

Submissions (4):

Ambry Genetics
Classification: Uncertain significance for Hereditary cancer-predisposing syndrome. Last evaluated: 2024-09-12. Review status: criteria provided, single submitter. Criteria: Ambry Variant Classification Scheme 2023. Collection method: clinical testing. Allele origin: germline.
Comment: The p.Q2433R variant (also known as c.7298A>G), located in coding exon 13 of the BRCA2 gene, results from an A to G substitution at nucleotide position 7298. The glutamine at codon 2433 is replaced by arginine, an amino acid with highly similar properties. This amino acid position is not well conserved in available vertebrate species. In addition, the in silico prediction for this alteration is inconclusive. Based on the available evidence, the clinical significance of this variant remains unclear.

Labcorp Genetics (formerly Invitae), Labcorp
Classification: Uncertain significance for Hereditary breast ovarian cancer syndrome. Last evaluated: 2024-06-25. Review status: criteria provided, single submitter. Criteria: Invitae Variant Classification Sherloc (09022015). Collection method: clinical testing. Allele origin: germline.
Comment: This sequence change replaces glutamine, which is neutral and polar, with arginine, which is basic and polar, at codon 2433 of the BRCA2 protein (p.Gln2433Arg). This variant is not present in population databases (gnomAD no frequency). This variant has not been reported in the literature in individuals affected with BRCA2-related conditions. ClinVar contains an entry for this variant (Variation ID: 802945). Advanced modeling of protein sequence and biophysical properties (such as structural, functional, and spatial information, amino acid conservation, physicochemical variation, residue mobility, and thermodynamic stability) performed at Invitae indicates that this missense variant is not expected to disrupt BRCA2 protein function with a negative predictive value of 95%. In summary, the available evidence is currently insufficient to determine the role of this variant in disease. Therefore, it has been classified as a Variant of Uncertain Significance.

Color Diagnostics, LLC DBA Color Health
Classification: Uncertain significance for Hereditary cancer-predisposing syndrome. Last evaluated: 2021-11-23. Review status: criteria provided, single submitter. Criteria: ACMG Guidelines, 2015. Collection method: clinical testing. Allele origin: germline.
Comment: This missense variant replaces glutamine with arginine at codon 2433 of the BRCA2 protein. Computational prediction suggests that this variant may not impact protein structure and function (internally defined REVEL score threshold <= 0.5, PMID: 27666373). To our knowledge, functional studies have not been reported for this variant. This variant has not been reported in individuals affected with hereditary cancer in the literature. This variant has not been identified in the general population by the Genome Aggregation Database (gnomAD). The available evidence is insufficient to determine the role of this variant in disease conclusively. Therefore, this variant is classified as a Variant of Uncertain Significance.

Mendelics
Classification: Uncertain significance for Breast-ovarian cancer, familial, susceptibility to, 2. Last evaluated: 2019-05-28. Review status: criteria provided, single submitter. Criteria: Mendelics Assertion Criteria 2017. Collection method: clinical testing. Allele origin: unknown.

NM_000059.4(BRCA2):c.7298A>G (p.Gln2433Arg)

Gene: BRCA2 (BRCA2 DNA repair associated; plus strand). Cytogenetic location: 13q13.1.
Variant type: single nucleotide variant.
Coding change: c.7298A>G on transcript NM_000059.4 (MANE Select); coding-DNA position 7298, A replaced by G.
Protein change: p.Gln2433Arg; replaces glutamine 2433 with arginine.
Molecular consequence: missense variant.
Genome position (GRCh38, 1-based): chr13:32,355,151, A>G. VCF-style: chr13-32355151-A-G. GRCh37 (hg19) VCF-style: chr13-32929288-A-G.
Other names: c.7298A>G (NM_000059.3); short protein forms Q2433R.
Identifiers: ClinVar variation 802945 (VCV000802945.6), dbSNP rs1593918295, ClinGen allele CA387740871.